The following is an entry in ClinVar:

NM_001099271.2(POC5):c.513+5G>A

Gene: POC5 (POC5 centriolar protein; minus strand). Cytogenetic location: 5q13.3.
Variant type: single nucleotide variant.
Coding change: c.513+5G>A on transcript NM_001099271.2 (MANE Select); 5 bases into the intron after coding-DNA position 513, G replaced by A.
Molecular consequence: intron variant.
Genome position (GRCh38, 1-based): chr5:75,702,600, C>T on the plus strand (G>A on the coding strand, the complement: POC5 is on the minus strand). VCF-style: chr5-75702600-C-T. GRCh37 (hg19) VCF-style: chr5-74998425-C-T.
Other names: c.438+5G>A (NM_152408.3).
Identifiers: ClinVar variation 1979119 (VCV001979119.4), dbSNP rs772714057, ClinGen allele CA3310566.

ClinVar aggregate classification (germline): Uncertain significance (1 of 4 stars; one submission).

Allele frequency attached by ClinVar (database versions not stated): TOPMed 0.00001; ExAC 0.00002; gnomAD exomes 0.00002.
gnomAD v4.1: 32 of 1,610,760 alleles (0.002%); highest among the groups gnomAD compares: Middle Eastern, 0.033%; no homozygotes.

Submission:

Labcorp Genetics (formerly Invitae), Labcorp
Classification: Uncertain significance. Last evaluated: 2024-11-18. Review status: criteria provided, single submitter. Criteria: Invitae Variant Classification Sherloc (09022015). Collection method: clinical testing. Allele origin: germline.
Comment: This sequence change falls in intron 5 of the POC5 gene. It does not directly change the encoded amino acid sequence of the POC5 protein. It affects a nucleotide within the consensus splice site. This variant is present in population databases (rs772714057, gnomAD 0.01%). This variant has not been reported in the literature in individuals affected with POC5-related conditions. ClinVar contains an entry for this variant (Variation ID: 1979119). Variants that disrupt the consensus splice site are a relatively common cause of aberrant splicing (PMID: 17576681, 9536098). Algorithms developed to predict the effect of sequence changes on RNA splicing suggest that this variant is not likely to affect RNA splicing. In summary, the available evidence is currently insufficient to determine the role of this variant in disease. Therefore, it has been classified as a Variant of Uncertain Significance.

Literature cited by the submitters: PubMed 17576681; PubMed 9536098.